The following is an entry in ClinVar:

NM_031935.3(HMCN1):c.9253G>T (p.Ala3085Ser)

Gene: HMCN1 (hemicentin 1; plus strand). Cytogenetic location: 1q31.1.
Variant type: single nucleotide variant.
Coding change: c.9253G>T on transcript NM_031935.3 (MANE Select); coding-DNA position 9253, G replaced by T.
Protein change: p.Ala3085Ser; replaces alanine 3085 with serine.
Molecular consequence: missense variant.
Genome position (GRCh38, 1-based): chr1:186,087,535, G>T. VCF-style: chr1-186087535-G-T. GRCh37 (hg19) VCF-style: chr1-186056667-G-T.
Other names: short protein forms A3085S.
Identifiers: ClinVar variation 3525869 (VCV003525869.5).
Genomic context (GRCh38, chr1:186,087,535, plus strand): 5'-TCTCTTTCTGTAGTTAATGTAAGAGAGGGAACTTCTGTGTCTTTGGAGTGTGAGTCGAAC[G>T]CTGTGCCACCTCCAGTCATCACTTGGTATAAGAATGGGCGGATGATAACAGAGTCTACTC-3'
Protein context (NP_114141.2, residues 3075-3095): TSVSLECESN[Ala3085Ser]VPPPVITWYK

ClinVar aggregate classification (germline): Uncertain significance. Review status: criteria provided, multiple submitters, no conflicts (2 of 4 stars). 3 submissions from 3 submitters: Uncertain significance (3). Last evaluated 2025-01-14.

gnomAD v4.1: 14 of 1,613,124 alleles (0.00087%); highest among the groups gnomAD compares: Non-Finnish European, 0.0012%; no homozygotes.

Submissions (3):

Dasa
Classification: Uncertain significance. Last evaluated: 2025-01-14. Review status: criteria provided, single submitter. Criteria: DASA Assertion Criteria. Collection method: clinical testing. Allele origin: germline.
Comment: NM_031935.3(HMCN1):c.9253G>T (p.Ala3085Ser) is a missense variant that results in the substitution of alanine with serine. This variant is rare in population databases. Computational prediction algorithms are consistent with a benign effect. The currently available literature and clinical evidence are not sufficient to establish a definitive association between this variant and the reported condition. Therefore, this variant is classified as a variant of uncertain significance.

Ambry Genetics
Classification: Uncertain significance. Last evaluated: 2024-11-11. Review status: criteria provided, single submitter. Criteria: Ambry Variant Classification Scheme 2023. Collection method: clinical testing. Allele origin: germline.

Labcorp Genetics (formerly Invitae), Labcorp
Classification: Uncertain significance. Last evaluated: 2024-08-04. Review status: criteria provided, single submitter. Criteria: Invitae Variant Classification Sherloc (09022015). Collection method: clinical testing. Allele origin: germline.
Comment: This sequence change replaces alanine, which is neutral and non-polar, with serine, which is neutral and polar, at codon 3085 of the HMCN1 protein (p.Ala3085Ser). This variant is present in population databases (rs377710966, gnomAD no frequency). This variant has not been reported in the literature in individuals affected with HMCN1-related conditions. An algorithm developed to predict the effect of missense changes on protein structure and function (PolyPhen-2) suggests that this variant is likely to be disruptive. In summary, the available evidence is currently insufficient to determine the role of this variant in disease. Therefore, it has been classified as a Variant of Uncertain Significance.